The following is an entry in ClinVar:

NM_000218.3(KCNQ1):c.1514+21500G>A

Genes: KCNQ1 (potassium voltage-gated channel subfamily Q member 1; plus strand), KCNQ1OT1 (KCNQ1 opposite strand/antisense transcript 1; minus strand). Cytogenetic location: 11p15.5.
Variant type: single nucleotide variant.
Coding change: c.1514+21500G>A on transcript NM_000218.3 (MANE Select); 21500 bases into the intron after coding-DNA position 1514, G replaced by A.
Molecular consequence: intron variant. On other transcripts: non-coding transcript variant (1).
Genome position (GRCh38, 1-based): chr11:2,683,581, G>A. VCF-style: chr11-2683581-G-A. GRCh37 (hg19) VCF-style: chr11-2704811-G-A.
Other names: c.1244+21500G>A (NM_001406837.1); c.1418+21500G>A (NM_001406836.1); c.974+21500G>A (NM_001406838.1); c.1133+21500G>A (NM_181798.2).
Identifiers: ClinVar variation 2641483 (VCV002641483.24), dbSNP rs537185763, ClinGen allele CA216186921.

ClinVar aggregate classification (germline): Likely benign (1 of 4 stars; one submission).

Allele frequency attached by ClinVar (database versions not stated): 1000 Genomes Project 0.00020; 1000 Genomes Project 30x 0.00031; gnomAD 0.00058; TOPMed 0.00095.
gnomAD v4.1: 285 of 398,620 alleles (0.071%); highest among the groups gnomAD compares: Middle Eastern, 0.31%; 1 homozygote.

Submission:

CeGaT Center for Human Genetics Tuebingen
Classification: Likely benign. Last evaluated: 2026-09-01. Review status: criteria provided, single submitter. Criteria: CeGaT Center For Human Genetics Tuebingen Variant Classification Criteria Version 2. Collection method: clinical testing. Allele origin: germline. Affected: yes. Observed: 11 variant alleles.
Comment: KCNQ1OT1: BS2